The following is an entry in ClinVar:

ClinVar aggregate classification (germline): Uncertain significance (1 of 4 stars; one submission).

Allele frequency attached by ClinVar (database versions not stated): TOPMed 0.00001; gnomAD exomes 0.00001.
gnomAD v4.1: 14 of 1,614,200 alleles (0.00087%); highest among the groups gnomAD compares: Non-Finnish European, 0.0011%; no homozygotes.

Submission:

Labcorp Genetics (formerly Invitae), Labcorp
Classification: Uncertain significance. Last evaluated: 2026-01-27. Review status: criteria provided, single submitter. Criteria: Invitae Variant Classification Sherloc (09022015). Collection method: clinical testing. Allele origin: germline.
Comment: This sequence change replaces threonine, which is neutral and polar, with isoleucine, which is neutral and non-polar, at codon 1883 of the FLNB protein (p.Thr1883Ile). This variant is present in population databases (no rsID available, gnomAD 0.0009%). This variant has not been reported in the literature in individuals affected with FLNB-related conditions. ClinVar contains an entry for this variant (Variation ID: 2989837). Invitae Evidence Modeling of protein sequence and biophysical properties (such as structural, functional, and spatial information, amino acid conservation, physicochemical variation, residue mobility, and thermodynamic stability) indicates that this missense variant is not expected to disrupt FLNB protein function with a negative predictive value of 95%. In summary, the available evidence is currently insufficient to determine the role of this variant in disease. Therefore, it has been classified as a Variant of Uncertain Significance.

NM_001457.4(FLNB):c.5648C>T (p.Thr1883Ile)

Gene: FLNB (filamin B; plus strand). Cytogenetic location: 3p14.3.
Variant type: single nucleotide variant.
Coding change: c.5648C>T on transcript NM_001457.4 (MANE Select); coding-DNA position 5648, C replaced by T.
Protein change: p.Thr1883Ile; replaces threonine 1883 with isoleucine.
Molecular consequence: missense variant.
Genome position (GRCh38, 1-based): chr3:58,146,913, C>T. VCF-style: chr3-58146913-C-T. GRCh37 (hg19) VCF-style: chr3-58132640-C-T.
Other names: c.5741C>T, p.Thr1914Ile (NM_001164317.2); c.5615C>T, p.Thr1872Ile (NM_001164318.2); c.5576C>T, p.Thr1859Ile (NM_001164319.2); short protein forms T1872I, T1914I, T1859I, T1883I.
Identifiers: ClinVar variation 2989837 (VCV002989837.3), dbSNP rs1248814991, ClinGen allele CA353355041.